The following is an entry in ClinVar:

NM_015295.3(SMCHD1):c.3575C>T (p.Ser1192Phe)

Gene: SMCHD1 (structural maintenance of chromosomes flexible hinge domain containing 1; plus strand). Cytogenetic location: 18p11.32.
Variant type: single nucleotide variant.
Coding change: c.3575C>T on transcript NM_015295.3 (MANE Select); coding-DNA position 3575, C replaced by T.
Protein change: p.Ser1192Phe; replaces serine 1192 with phenylalanine.
Molecular consequence: missense variant.
Genome position (GRCh38, 1-based): chr18:2,740,763, C>T. VCF-style: chr18-2740763-C-T. GRCh37 (hg19) VCF-style: chr18-2740761-C-T.
Other names: short protein forms S1192F.
Identifiers: ClinVar variation 2910498 (VCV002910498.3), dbSNP rs752391984, ClinGen allele CA8871245.
Genomic context (GRCh38, chr18:2,740,763, plus strand): 5'-TTATAATAATTACAGATCAGTACGGAAATCAGATTCAAGCATTTTCACCAAGTTCTTTAT[C>T]TTCTTTGTCAATTGCTGGGGTTGGACTTGATAGCTCAAATTTGAAAACAACCTTTCAGGT-3'
Protein context (NP_056110.2, residues 1182-1202): QIQAFSPSSL[Ser1192Phe]SLSIAGVGLD

ClinVar aggregate classification (germline): Uncertain significance (1 of 4 stars; one submission).

Conditions:
Facioscapulohumeral muscular dystrophy 2 (FSHD2). Also called: MUSCULAR DYSTROPHY, FACIOSCAPULOHUMERAL, TYPE 1B; FACIOSCAPULOHUMERAL MUSCULAR DYSTROPHY 2, DIGENIC; FSHD2, DIGENIC. Identifiers: Orphanet 269, MedGen C1834671, MONDO:0008031, OMIM 158901.

Allele frequency attached by ClinVar (database versions not stated): gnomAD exomes below 0.00001; ExAC 0.00001.
gnomAD v4.1: 3 of 1,611,768 alleles (0.00019%); highest among the groups gnomAD compares: Non-Finnish European, 0.00025%; no homozygotes.

Submission:

Labcorp Genetics (formerly Invitae), Labcorp
Classification: Uncertain significance for Facioscapulohumeral muscular dystrophy 2. Last evaluated: 2022-10-30. Review status: criteria provided, single submitter. Criteria: Invitae Variant Classification Sherloc (09022015). Collection method: clinical testing. Allele origin: germline.
Comment: In summary, the available evidence is currently insufficient to determine the role of this variant in disease. Therefore, it has been classified as a Variant of Uncertain Significance. Advanced modeling of protein sequence and biophysical properties (such as structural, functional, and spatial information, amino acid conservation, physicochemical variation, residue mobility, and thermodynamic stability) performed at Invitae indicates that this missense variant is not expected to disrupt SMCHD1 protein function. This variant has not been reported in the literature in individuals affected with SMCHD1-related conditions. This variant is present in population databases (rs752391984, gnomAD 0.0009%). This sequence change replaces serine, which is neutral and polar, with phenylalanine, which is neutral and non-polar, at codon 1192 of the SMCHD1 protein (p.Ser1192Phe).